The following is an entry in ClinVar:

NM_032578.4(MYPN):c.336T>C (p.Ser112=)

Gene: MYPN (myopalladin; plus strand). Cytogenetic location: 10q21.3.
Variant type: single nucleotide variant.
Coding change: c.336T>C on transcript NM_032578.4 (MANE Select); coding-DNA position 336, T replaced by C.
Protein change: p.Ser112=; no amino-acid change (serine 112 retained).
Molecular consequence: synonymous variant. On other transcripts: 5 prime UTR variant (1), non-coding transcript variant (1).
Genome position (GRCh38, 1-based): chr10:68,121,774, T>C. VCF-style: chr10-68121774-T-C. GRCh37 (hg19) VCF-style: chr10-69881531-T-C.
Other names: c.336T>C, p.Ser112= (NM_001256267.2); c.-787T>C (NM_001256268.2); c.336T>C (NM_032578.2).
Identifiers: ClinVar variation 745772 (VCV000745772.13), dbSNP rs769858127, ClinGen allele CA5522262.

ClinVar aggregate classification (germline): Likely benign. Review status: criteria provided, multiple submitters, no conflicts (2 of 4 stars). 3 submissions from 3 submitters: Likely benign (2). 1 of the submissions does not count toward it. Last evaluated 2022-11-14.

Conditions:
MYPN-related disorder. Also called: MYPN-related condition.
Cardiovascular phenotype. Identifiers: MedGen CN230736.
Dilated cardiomyopathy 1KK (CMD1KK). Identifiers: Orphanet 154, Orphanet 75249, MedGen C3714995, MONDO:0014100, OMIM 615248.

Allele frequency attached by ClinVar (database versions not stated): ExAC 0.00001; gnomAD exomes 0.00002; TOPMed below 0.00001.
gnomAD v4.1: 5 of 1,614,222 alleles (0.00031%); highest among the groups gnomAD compares: Admixed American, 0.0067%; no homozygotes.

Submissions (3):

Ambry Genetics
Classification: Likely benign for Cardiovascular phenotype. Last evaluated: 2022-11-14. Review status: criteria provided, single submitter. Criteria: Ambry Variant Classification Scheme 2023. Collection method: clinical testing. Allele origin: germline.

Labcorp Genetics (formerly Invitae), Labcorp
Classification: Likely benign for Dilated cardiomyopathy 1KK. Last evaluated: 2022-10-05. Review status: criteria provided, single submitter. Criteria: Invitae Variant Classification Sherloc (09022015). Collection method: clinical testing. Allele origin: germline.

PreventionGenetics, part of Exact Sciences
Classification: Likely benign for MYPN-related condition. Last evaluated: 2019-11-08. Review status: no assertion criteria provided. Collection method: clinical testing. Allele origin: germline. Not counted in ClinVar's aggregate classification.
Comment: This variant is classified as likely benign based on ACMG/AMP sequence variant interpretation guidelines (Richards et al. 2015 PMID: 25741868, with internal and published modifications).